The following is an entry in ClinVar:

ClinVar aggregate classification (germline): Uncertain significance (1 of 4 stars; one submission).

Conditions:
Progressive familial heart block type IB (PFHB1B). Identifiers: Orphanet 871, MedGen C1970298, MONDO:0011474, OMIM 604559.

Allele frequency attached by ClinVar (database versions not stated): gnomAD exomes below 0.00001 and 0.00001; ExAC 0.00001; gnomAD 0.00001; 1000 Genomes Project 30x 0.00016; 1000 Genomes Project 0.00020.
gnomAD v4.1: 13 of 1,614,046 alleles (0.00081%); highest among the groups gnomAD compares: Middle Eastern, 0.066%; no homozygotes.

Submission:

Labcorp Genetics (formerly Invitae), Labcorp
Classification: Uncertain significance for Progressive familial heart block type IB. Last evaluated: 2025-03-15. Review status: criteria provided, single submitter. Criteria: Invitae Variant Classification Sherloc (09022015). Collection method: clinical testing. Allele origin: germline.
Comment: This sequence change replaces threonine, which is neutral and polar, with isoleucine, which is neutral and non-polar, at codon 292 of the TRPM4 protein (p.Thr292Ile). This variant is present in population databases (rs573938815, gnomAD no frequency). This variant has not been reported in the literature in individuals affected with TRPM4-related conditions. ClinVar contains an entry for this variant (Variation ID: 2062914). An algorithm developed to predict the effect of missense changes on protein structure and function (PolyPhen-2) suggests that this variant is likely to be tolerated. In summary, the available evidence is currently insufficient to determine the role of this variant in disease. Therefore, it has been classified as a Variant of Uncertain Significance.

NM_017636.4(TRPM4):c.875C>T (p.Thr292Ile)

Gene: TRPM4 (transient receptor potential cation channel subfamily M member 4; plus strand). Cytogenetic location: 19q13.33.
Variant type: single nucleotide variant.
Coding change: c.875C>T on transcript NM_017636.4 (MANE Select); coding-DNA position 875, C replaced by T.
Protein change: p.Thr292Ile; replaces threonine 292 with isoleucine.
Molecular consequence: missense variant. On other transcripts: 5 prime UTR variant (1).
Genome position (GRCh38, 1-based): chr19:49,171,594, C>T. VCF-style: chr19-49171594-C-T. GRCh37 (hg19) VCF-style: chr19-49674851-C-T.
Other names: c.875C>T, p.Thr292Ile (NM_001195227.2); c.530C>T, p.Thr177Ile (NM_001321281.2); c.-679C>T (NM_001321282.2); c.353C>T, p.Thr118Ile (NM_001321283.2); c.26C>T, p.Thr9Ile (NM_001321285.2); short protein forms T118I, T177I, T292I, T9I.
Identifiers: ClinVar variation 2062914 (VCV002062914.4), dbSNP rs573938815, ClinGen allele CA9569006.
Genomic context (GRCh38, chr19:49,171,594, plus strand): 5'-TGCCTTTTCTGACGTGATGAATAAAGAATGCCTTTATCCTGTAGCGAATAGAGAACGCCA[C>T]CCAGGCTCAGCTCCCATGTCTCCTCGTGGCTGGCTCAGGGGGAGCTGCGGACTGCCTGGC-3'
Protein context (NP_060106.2, residues 282-302): EKMLTRIENA[Thr292Ile]QAQLPCLLVA